The following is an entry in ClinVar:

ClinVar aggregate classification (germline): not provided (0 of 4 stars; one submission).

Allele frequency attached by ClinVar (database versions not stated): TOPMed 0.00014 and 0.00008; gnomAD 0.00016 and 0.00009; ExAC 0.00005; gnomAD exomes 0.00008.
gnomAD v4.1: 101 of 1,613,920 alleles (0.0063%); highest among the groups gnomAD compares: East Asian, 0.091%; no homozygotes.

Submission:

ITMI
No classification provided. Condition: AllHighlyPenetrant. Last evaluated: 2013-09-19. Review status: no classification provided. Collection method: reference population. Allele origin: germline.
Comment: Please see associated publication for description of ethnicities

Literature cited by the submitters: PubMed 24728327.

NM_001077706.3(ECT2L):c.2555G>A (p.Arg852Gln)

Gene: ECT2L (epithelial cell transforming 2 like; plus strand). Cytogenetic location: 6q24.1.
Variant type: single nucleotide variant.
Coding change: c.2555G>A on transcript NM_001077706.3 (MANE Select); coding-DNA position 2555, G replaced by A.
Protein change: p.Arg852Gln; replaces arginine 852 with glutamine.
Molecular consequence: missense variant.
Genome position (GRCh38, 1-based): chr6:138,901,088, G>A. VCF-style: chr6-138901088-G-A. GRCh37 (hg19) VCF-style: chr6-139222225-G-A.
Other names: c.2555G>A, p.Arg852Gln (NM_001195037.2); short protein forms R852Q.
Identifiers: ClinVar variation 134003 (VCV000134003.1), dbSNP rs371621945, ClinGen allele CA158387.